The following is an entry in ClinVar:

ClinVar aggregate classification (germline): Conflicting classifications of pathogenicity. Review status: criteria provided, conflicting classifications (1 of 4 stars). 3 submissions from 3 submitters: Uncertain significance (1); Likely benign (2). Last evaluated 2025-04-14.

Conditions:
Birt-Hogg-Dube syndrome 1 (BHD1). Also called: FIBROFOLLICULOMAS WITH TRICHODISCOMAS AND ACROCHORDONS. Identifiers: Orphanet 122, MedGen CN375946, MONDO:0800445, OMIM 135150.
Birt-Hogg-Dube syndrome. Also called: Birt Hogg Dubé syndrome. Identifiers: Orphanet 122, MedGen C0346010, MONDO:0800444.

gnomAD v4.1: 2 of 1,614,088 alleles (0.00012%); highest among the groups gnomAD compares: Non-Finnish European, 0.00017%; no homozygotes.

Submissions (3):

Labcorp Genetics (formerly Invitae), Labcorp
Classification: Likely benign for Birt-Hogg-Dube syndrome. Last evaluated: 2025-04-14. Review status: criteria provided, single submitter. Criteria: Invitae Variant Classification Sherloc (09022015). Collection method: clinical testing. Allele origin: germline.

Myriad Genetics, Inc.
Classification: Likely benign for Birt-Hogg-Dube syndrome 1. Last evaluated: 2024-10-25. Review status: criteria provided, single submitter. Criteria: Myriad Autosomal Dominant, Autosomal Recessive and X-Linked Classification Criteria (2023). Collection method: clinical testing. Allele origin: unknown.
Comment: This variant is considered likely benign. This variant is intronic and is not expected to impact mRNA splicing.

Centre of Medical Genetics, University Hospital Muenster
Classification: Uncertain significance. Last evaluated: 2023-04-20. Review status: criteria provided, single submitter. Criteria: ACMG Guidelines, 2015. Collection method: clinical testing. Allele origin: unknown. Affected: yes. Observed: 1 variant allele, 1 heterozygote.
Comment: ACMG categories: PM1,PM2

NM_144997.7(FLCN):c.1432+7G>A

Gene: FLCN (folliculin; minus strand). Cytogenetic location: 17p11.2.
Variant type: single nucleotide variant.
Coding change: c.1432+7G>A on transcript NM_144997.7 (MANE Select); 7 bases into the intron after coding-DNA position 1432, G replaced by A.
Molecular consequence: intron variant.
Genome position (GRCh38, 1-based): chr17:17,215,178, C>T on the plus strand (G>A on the coding strand, the complement: FLCN is on the minus strand). VCF-style: chr17-17215178-C-T. GRCh37 (hg19) VCF-style: chr17-17118492-C-T.
Other names: c.1432+7G>A (NM_001353231.2, NM_001353230.2); c.1486+7G>A (NM_001353229.2).
Identifiers: ClinVar variation 1612387 (VCV001612387.11), dbSNP rs1200932753, ClinGen allele CA625314030.
Genomic context (GRCh38, chr17:17,215,178, plus strand): 5'-GGGCAGGCGTTAGCGCGGGGCGGGGGCATCTTCTCACAAAAAGGACACTCTGCCTGGGGG[C>T]ACCCACCTCGGTCTGCAGCTACAGGGCTCCCACTGGTCACCACAAACTCGTACTTGCTGA-3'